The following is an entry in ClinVar:

ClinVar aggregate classification (germline): not provided (0 of 4 stars; one submission).

Conditions:
Gestational diabetes mellitus uncontrolled. Identifiers: MedGen C3532257.

Submission:

Institute of Molecular and Cell Biology, University of Tartu
No classification provided. Condition: Gestational diabetes mellitus uncontrolled. Review status: no classification provided. Collection method: case-control. Allele origin: unknown. Affected: yes. Study: Kasak2014.
Comment: The study aimed to determine the contribution of copy number variants in the genetic etiology of normal and complicated pregnancies. The samples represented (i) maternal blood DNA drawn from healthy pregnant women during 1st or 2nd trimester and (ii) maternal and paternal blood DNA drawn at term pregnancy cases representing normal and complicated gestations (severe preeclampsia, PE; gestational diabetes, GD; small-for-gestational age newborn, SGA; large-for-gestational age newborn, LGA). We performed CNV calling based on genome-wide genotyping dataset (Illumina HumanOmniExpress-24-v1 BeadChip) by applying three algorithms, QuantiSNP, GADA (Genome Alteration Detection Algorithm) and CNstream in parallel. The acquired CNV calls were merged with HD-CNV (Hotspot Detector for Copy Number Variants) program and only the CNVs predicted by at least two programs, were considered in subsequent analysis.

Literature cited by the submitters: PubMed 25666259.

CM000681.1:g.41350895_41379148dup

Genes: CYP2A6 (cytochrome P450 family 2 subfamily A member 6; minus strand), LOC110673974 (CYP2A6 5' regulatory region; plus strand). Cytogenetic location: 19q13.2.
Variant type: Duplication.
Identifiers: ClinVar variation 157442 (VCV000157442.2).